The following is an entry in ClinVar:

NM_000053.4(ATP7B):c.3839T>C (p.Met1280Thr)

Gene: ATP7B (ATPase copper transporting beta; minus strand). Cytogenetic location: 13q14.3.
Variant type: single nucleotide variant.
Coding change: c.3839T>C on transcript NM_000053.4 (MANE Select); coding-DNA position 3839, T replaced by C.
Protein change: p.Met1280Thr; replaces methionine 1280 with threonine.
Molecular consequence: missense variant. On other transcripts: intron variant (1).
Genome position (GRCh38, 1-based): chr13:51,937,540, A>G on the plus strand (T>C on the coding strand, the complement: ATP7B is on the minus strand). VCF-style: chr13-51937540-A-G. GRCh37 (hg19) VCF-style: chr13-52511676-A-G.
Other names: p.Met1280Thr; c.3392T>C, p.Met1131Thr (NM_001406540.1); c.3353T>C, p.Met1118Thr (NM_001406541.1, NM_001406542.1); c.3347T>C, p.Met1116Thr (NM_001406543.1); c.3257T>C, p.Met1086Thr (NM_001406544.1); c.3191T>C, p.Met1064Thr (NM_001406545.1); c.3158T>C, p.Met1053Thr (NM_001406546.1); c.2996T>C, p.Met999Thr (NM_001406547.1); and 22 more; short protein forms M1064T, M1196T, M1215T, M1262T, M1278T, M1116T, M1118T, M1131T.
Identifiers: ClinVar variation 4541781 (VCV004541781.2).

ClinVar aggregate classification (germline): Uncertain significance. Review status: criteria provided, multiple submitters, no conflicts (2 of 4 stars). 2 submissions from 2 submitters: Uncertain significance (2). Last evaluated 2025-10-07.

Conditions:
Wilson disease (WND). Also called: Wilson's disease. Identifiers: Orphanet 905, MedGen C0019202, MONDO:0010200, OMIM 277900. Disease mechanism: loss of function.

Submissions (2):

Mayo Clinic Laboratories, Mayo Clinic
Classification: Uncertain significance. Last evaluated: 2025-10-07. Review status: criteria provided, single submitter. Criteria: ACMG Guidelines, 2015. Collection method: clinical testing. Allele origin: germline. Observed: 1 variant allele.
Comment: PP3, PM2_supporting

Color Diagnostics, LLC DBA Color Health
Classification: Uncertain significance for Wilson disease. Last evaluated: 2025-06-23. Review status: criteria provided, single submitter. Criteria: ACMG Guidelines, 2015. Collection method: clinical testing. Allele origin: germline.
Comment: This missense variant replaces methionine with threonine at codon 1280 of the ATP7B protein. Computational prediction is inconclusive regarding the impact of this variant on protein structure and function. To our knowledge, functional studies have not been reported for this variant. This variant has not been reported in individuals affected with ATP7B-related disorders in the literature. This variant has not been identified in the general population by the Genome Aggregation Database (gnomAD). The available evidence is insufficient to determine the role of this variant in disease conclusively. Therefore, this variant is classified as a Variant of Uncertain Significance.